The following is an entry in ClinVar:

NM_007294.4(BRCA1):c.3835G>T (p.Ala1279Ser)

Genes: BRCA1 (BRCA1 DNA repair associated; minus strand), LOC126862571 (BRD4-independent group 4 enhancer GRCh37_chr17:41243136-41244335; plus strand). Cytogenetic location: 17q21.31.
Variant type: single nucleotide variant.
Coding change: c.3835G>T on transcript NM_007294.4 (MANE Select); coding-DNA position 3835, G replaced by T.
Protein change: p.Ala1279Ser; replaces alanine 1279 with serine.
Molecular consequence: missense variant. On other transcripts: intron variant (135).
Genome position (GRCh38, 1-based): chr17:43,091,696, C>A on the plus strand (G>T on the coding strand, the complement: BRCA1 is on the minus strand). VCF-style: chr17-43091696-C-A. GRCh37 (hg19) VCF-style: chr17-41243713-C-A.
Other names: c.647-664G>T (NM_001408469.1, NM_001408453.1, NM_001408467.1 and 11 more transcripts); c.788-664G>T (NM_001407976.1, NM_001407980.1, NM_001407993.1 and 17 more transcripts); c.524-664G>T (NM_001408498.1, NM_001408501.1, NM_001408500.1 and 3 more transcripts); c.665-664G>T (NM_001408436.1, NM_001408444.1, NM_001408438.1 and 12 more transcripts); c.653-664G>T (NM_001408451.1); c.644-664G>T (NM_001408464.1, NM_001408470.1, NM_001408468.1 and 3 more transcripts); c.785-664G>T (NM_001408397.1, NM_001408401.1, NM_001408396.1 and 13 more transcripts); c.3835G>T, p.Ala1279Ser (NM_001407639.1, NM_001407640.1, NM_001407641.1 and 30 more transcripts); and 41 more; short protein forms A1279S, A1232S, A1167S, A1208S, A1237S, A1168S, A1191S, A1209S.
Identifiers: ClinVar variation 421098 (VCV000421098.12), dbSNP rs80357036, ClinGen allele CA10594295.
Genomic context (GRCh38, chr17:43,091,696, plus strand): 5'-GTGAAGAAAACAAGCTAGCAGAACATTTTGTTTCCTCACTAAGGTGATGTTCCTGAGATG[C>A]CTTTGCCAATATTACCTGGTTACTGCAGTCATTTAAGCTATTCTTCAATGATAATAAATT-3'
Protein context (NP_009225.1, residues 1269-1289): DCSNQVILAK[Ala1279Ser]SQEHHLSEET

ClinVar aggregate classification (germline): Conflicting classifications of pathogenicity. Review status: criteria provided, conflicting classifications (1 of 4 stars). 4 submissions from 4 submitters: Uncertain significance (3); Likely benign (1). Last evaluated 2024-11-18.

Conditions:
Hereditary breast ovarian cancer syndrome. Also called: Hereditary breast and ovarian cancer; Hereditary breast and/or ovarian cancer syndrome; Hereditary breast and ovarian cancer syndrome; Hereditary breast and ovarian cancer syndrome (HBOC); Breast and ovarian cancer; BRCA1- and BRCA2-Associated Hereditary Breast and Ovarian Cancer. Identifiers: Orphanet 145, MedGen C0677776, MeSH D061325, MONDO:0003582. Disease mechanism: loss of function.
Hereditary cancer-predisposing syndrome. Also called: Hereditary neoplastic syndrome; Tumor predisposition; Neoplastic Syndromes, Hereditary; Hereditary Cancer Syndrome. Identifiers: Orphanet 140162, MedGen C0027672, MeSH D009386, MONDO:0015356.

gnomAD v4.1: 1 of 1,614,192 alleles (0.000062%); highest among the groups gnomAD compares: Non-Finnish European, 0.000085%; no homozygotes.

Submissions (4):

Labcorp Genetics (formerly Invitae), Labcorp
Classification: Uncertain significance for Hereditary breast ovarian cancer syndrome. Last evaluated: 2024-11-18. Review status: criteria provided, single submitter. Criteria: Invitae Variant Classification Sherloc (09022015). Collection method: clinical testing. Allele origin: germline.
Comment: This sequence change replaces alanine, which is neutral and non-polar, with serine, which is neutral and polar, at codon 1279 of the BRCA1 protein (p.Ala1279Ser). This variant is not present in population databases (gnomAD no frequency). This variant has not been reported in the literature in individuals affected with BRCA1-related conditions. ClinVar contains an entry for this variant (Variation ID: 421098). Invitae Evidence Modeling of protein sequence and biophysical properties (such as structural, functional, and spatial information, amino acid conservation, physicochemical variation, residue mobility, and thermodynamic stability) indicates that this missense variant is not expected to disrupt BRCA1 protein function with a negative predictive value of 80%. In summary, the available evidence is currently insufficient to determine the role of this variant in disease. Therefore, it has been classified as a Variant of Uncertain Significance.

Ambry Genetics
Classification: Uncertain significance for Hereditary cancer-predisposing syndrome. Last evaluated: 2023-05-31. Review status: criteria provided, single submitter. Criteria: Ambry Variant Classification Scheme 2023. Collection method: clinical testing. Allele origin: germline.
Comment: The p.A1279S variant (also known as c.3835G>T), located in coding exon 9 of the BRCA1 gene, results from a G to T substitution at nucleotide position 3835. The alanine at codon 1279 is replaced by serine, an amino acid with similar properties. This amino acid position is not well conserved in available vertebrate species. In addition, the in silico prediction for this alteration is inconclusive. Since supporting evidence is limited at this time, the clinical significance of this alteration remains unclear.

University of Washington Department of Laboratory Medicine, University of Washington
Classification: Likely benign for Hereditary cancer-predisposing syndrome. Last evaluated: 2023-03-23. Review status: criteria provided, single submitter. Criteria: Dines et al. (Genet Med. 2020). Collection method: curation. Allele origin: germline.
Comment: Missense variant in a coldspot region where missense variants are very unlikely to be pathogenic (PMID:31911673).

BRCA1 coldspot (exon 11 using historical exon numbering). Reclassification based on statistical prior probability

GeneDx
Classification: Uncertain significance. Last evaluated: 2016-10-27. Review status: criteria provided, single submitter. Criteria: GeneDx Variant Classification (06012015). Collection method: clinical testing. Allele origin: germline. Affected: yes.
Comment: This variant is denoted BRCA1 c.3835G>T at the cDNA level, p.Ala1279Ser (A1279S) at the protein level, and results in the change of an Alanine to a Serine (GCA>TCA). Using alternate nomenclature, this variant would be defined as BRCA1 3954G>T. This variant has not, to our knowledge, been published in the literature as pathogenic or benign. BRCA1 Ala1279Ser was not observed in approximately 6,500 individuals of European and African American ancestry in the NHLBI Exome Sequencing Project, suggesting it is not a common benign variant in these populations. Since Alanine and Serine differ in polarity, charge, size or other properties, this is considered a non-conservative amino acid substitution. BRCA1 Ala1279Ser occurs at a position that is not conserved and is not located in a known functional domain. In silico analyses are inconsistent regarding the effect this variant may have on protein structure and function. Based on currently available evidence, it is unclear whether BRCA1 Ala1279Ser is a pathogenic or benign variant. We consider it to be a variant of uncertain significance.